The following is an entry in ClinVar:

ClinVar aggregate classification (germline): Pathogenic. Review status: criteria provided, multiple submitters, no conflicts (2 of 4 stars). 2 submissions from 2 submitters: Pathogenic (2). Last evaluated 2025-10-21.

Conditions:
Epidermolysis bullosa dystrophica. Also called: Dystrophic epidermolysis bullosa, Hallopeau-Siemens type (formerly); Dystrophic epidermolysis bullosa. Identifiers: Orphanet 303, MedGen C0079294, MONDO:0006543.

Allele frequency attached by ClinVar (database versions not stated): gnomAD exomes below 0.00001.

Submissions (2):

Natera, Inc.
Classification: Pathogenic for Dystrophic epidermolysis bullosa. Last evaluated: 2025-10-21. Review status: criteria provided, single submitter. Criteria: Natera Variant Classification Schema (03/2026). Collection method: clinical testing. Allele origin: germline.
Comment: The c.846+2T>C variant in COL7A1 is a canonical splice donor site variant predicted to affect pre-mRNA splicing, which may result in an abnormal transcript and altered protein product. This variant is expected to result in nonsense mediated decay, truncation, or a dysfunctional protein product. This variant is rare in the general population with a frequency below the threshold expected for the associated phenotype(s). This variant has been observed in one or more individuals affected with the associated recessive disease, as either homozygous or compound heterozygous with a second variant (PMID: 36880304). Given the available evidence, this variant is classified as Pathogenic.

Labcorp Genetics (formerly Invitae), Labcorp
Classification: Pathogenic. Last evaluated: 2023-05-24. Review status: criteria provided, single submitter. Criteria: Invitae Variant Classification Sherloc (09022015). Collection method: clinical testing. Allele origin: germline.
Comment: For these reasons, this variant has been classified as Pathogenic. Algorithms developed to predict the effect of sequence changes on RNA splicing suggest that this variant may disrupt the consensus splice site. ClinVar contains an entry for this variant (Variation ID: 935251). Disruption of this splice site has been observed in individuals with autosomal recessive dystrophic epidermolysis bullosa (PMID: 32484238). This variant is not present in population databases (gnomAD no frequency). This sequence change affects a donor splice site in intron 6 of the COL7A1 gene. It is expected to disrupt RNA splicing. Variants that disrupt the donor or acceptor splice site typically lead to a loss of protein function (PMID: 16199547), and loss-of-function variants in COL7A1 are known to be pathogenic (PMID: 16971478).

Literature cited by the submitters: PubMed 36880304 (cited by Natera, Inc.); PubMed 32484238 (cited by Labcorp Genetics (formerly Invitae), Labcorp); PubMed 16199547 (cited by Labcorp Genetics (formerly Invitae), Labcorp); PubMed 16971478 (cited by Labcorp Genetics (formerly Invitae), Labcorp).

NM_000094.4(COL7A1):c.846+2T>C

Gene: COL7A1 (collagen type VII alpha 1 chain; minus strand). Cytogenetic location: 3p21.31.
Variant type: single nucleotide variant.
Coding change: c.846+2T>C on transcript NM_000094.4 (MANE Select); the canonical splice donor site of the intron after coding-DNA position 846, T replaced by C.
Molecular consequence: splice donor variant.
Genome position (GRCh38, 1-based): chr3:48,592,773, A>G on the plus strand (T>C on the coding strand, the complement: COL7A1 is on the minus strand). VCF-style: chr3-48592773-A-G. GRCh37 (hg19) VCF-style: chr3-48630206-A-G.
Identifiers: ClinVar variation 935251 (VCV000935251.9), dbSNP rs2045798629, ClinGen allele CA352740944.
Genomic context (GRCh38, chr3:48,592,773, plus strand): 5'-GAGGTCACTTTATCTTGCCCAGCCAAGTCCCCAGCCACCACCTATCACTCCTGACATCCT[A>G]CCTCCTGCCGCTCACTCGGCAGTGGCTGTCCCAGCCCCGTCAGAGGAGTGTACTGGACCT-3'